The following is an entry in ClinVar:

NM_006231.4(POLE):c.5936A>G (p.Asn1979Ser)

Gene: POLE (DNA polymerase epsilon, catalytic subunit; minus strand). Cytogenetic location: 12q24.33.
Variant type: single nucleotide variant.
Coding change: c.5936A>G on transcript NM_006231.4 (MANE Select); coding-DNA position 5936, A replaced by G.
Protein change: p.Asn1979Ser; replaces asparagine 1979 with serine.
Molecular consequence: missense variant.
Genome position (GRCh38, 1-based): chr12:132,634,254, T>C on the plus strand (A>G on the coding strand, the complement: POLE is on the minus strand). VCF-style: chr12-132634254-T-C. GRCh37 (hg19) VCF-style: chr12-133210840-T-C.
Other names: short protein forms N1979S.
Identifiers: ClinVar variation 581528 (VCV000581528.8), dbSNP rs775893052, ClinGen allele CA387371557.

ClinVar aggregate classification (germline): Uncertain significance (1 of 4 stars; one submission).

Submission:

Labcorp Genetics (formerly Invitae), Labcorp
Classification: Uncertain significance. Last evaluated: 2018-01-15. Review status: criteria provided, single submitter. Criteria: Invitae Variant Classification Sherloc (09022015). Collection method: clinical testing. Allele origin: germline.
Comment: This sequence change replaces asparagine with serine at codon 1979 of the POLE protein (p.Asn1979Ser). The asparagine residue is moderately conserved and there is a small physicochemical difference between asparagine and serine. This variant is not present in population databases (ExAC no frequency). This variant has not been reported in the literature in individuals with POLE-related disease. Algorithms developed to predict the effect of missense changes on protein structure and function output the following: SIFT: "Tolerated"; PolyPhen-2: "Benign"; Align-GVGD: "Class C0". The serine amino acid residue is found in multiple mammalian species, suggesting that this missense change does not adversely affect protein function. These predictions have not been confirmed by published functional studies and their clinical significance is uncertain. In summary, the available evidence is currently insufficient to determine the role of this variant in disease. Therefore, it has been classified as a Variant of Uncertain Significance.